The following is an entry in ClinVar:

NM_001029896.2(WDR45):c.135C>T (p.His45=)

Genes: WDR45 (WD repeat domain 45; minus strand), LOC126863256 (BRD4-independent group 4 enhancer GRCh37_chrX:48934848-48936047; plus strand). Cytogenetic location: Xp11.23.
Variant type: single nucleotide variant.
Coding change: c.135C>T on transcript NM_001029896.2 (MANE Select); coding-DNA position 135, C replaced by T.
Protein change: p.His45=; no amino-acid change (histidine 45 retained).
Molecular consequence: synonymous variant.
Genome position (GRCh38, 1-based): chrX:49,077,743, G>A on the plus strand (C>T on the coding strand, the complement: WDR45 is on the minus strand). VCF-style: chrX-49077743-G-A. GRCh37 (hg19) VCF-style: chrX-48935402-G-A.
Other names: c.135C>T, p.His45= (NM_007075.4).
Identifiers: ClinVar variation 388310 (VCV000388310.10), dbSNP rs782629776, ClinGen allele CA10408604.

ClinVar aggregate classification (germline): Likely benign. Review status: criteria provided, multiple submitters, no conflicts (2 of 4 stars). 3 submissions from 3 submitters: Likely benign (3). Last evaluated 2025-04-02.

Conditions:
Neurodegeneration with brain iron accumulation 5 (NBIA5). Also called: Beta-propeller protein-associated neurodegeneration; STATIC ENCEPHALOPATHY OF CHILDHOOD WITH NEURODEGENERATION IN ADULTHOOD. Identifiers: Orphanet 329284, MedGen C3550973, MONDO:0010476, OMIM 300894.

Allele frequency attached by ClinVar (database versions not stated): ExAC 0.00002; gnomAD 0.00002; gnomAD exomes 0.00003.
gnomAD v4.1: 45 of 1,199,038 alleles (0.0038%); highest among the groups gnomAD compares: South Asian, 0.02%; no homozygotes.

Submissions (3):

Labcorp Genetics (formerly Invitae), Labcorp
Classification: Likely benign for Neurodegeneration with brain iron accumulation 5. Last evaluated: 2025-04-02. Review status: criteria provided, single submitter. Criteria: Invitae Variant Classification Sherloc (09022015). Collection method: clinical testing. Allele origin: germline.

Blueprint Genetics
Classification: Likely benign. Last evaluated: 2024-09-09. Review status: criteria provided, single submitter. Criteria: ACMG Guidelines, 2015. Collection method: clinical testing. Allele origin: germline.

GeneDx
Classification: Likely benign. Last evaluated: 2017-11-20. Review status: criteria provided, single submitter. Criteria: GeneDx Variant Classification (06012015). Collection method: clinical testing. Allele origin: germline. Affected: yes.
Comment: This variant is considered likely benign or benign based on one or more of the following criteria: it is a conservative change, it occurs at a poorly conserved position in the protein, it is predicted to be benign by multiple in silico algorithms, and/or has population frequency not consistent with disease.